The following is an entry in ClinVar:

ClinVar aggregate classification (germline): Conflicting classifications of pathogenicity. Review status: criteria provided, conflicting classifications (1 of 4 stars). 6 submissions from 6 submitters: Pathogenic (2); Likely pathogenic (3); Uncertain significance (1). Last evaluated 2025-12-22.

Conditions:
HBA2-related disorder. Also called: HBA2-related condition.
alpha Thalassemia. Also called: Alpha thalassemia spectrum. Identifiers: Orphanet 846, MedGen C0002312, MONDO:0011399, OMIM 604131.

Allele frequency attached by ClinVar (database versions not stated): gnomAD exomes 0.00001.

Submissions (6):

Natera, Inc.
Classification: Likely pathogenic for Alpha thalassemia. Last evaluated: 2025-12-22. Review status: criteria provided, single submitter. Criteria: Natera Variant Classification Schema (03/2026). Collection method: clinical testing. Allele origin: germline.
Comment: The c.98T>G variant in HBA2 is a missense variant predicted to cause substitution of methionine to arginine at amino acid 33. This variant is rare in the general population with a frequency below the threshold expected for the associated phenotype(s). This variant has been observed in one or more individuals affected with the associated recessive disease, as either homozygous or compound heterozygous with a second variant (PMID: 20642333). A different variant at the same position has been determined to be Pathogenic or Likely Pathogenic. Computational prediction algorithms indicate this variant is likely to affect gene or protein function. Given the available evidence, this variant is classified as Likely Pathogenic.

3billion
Classification: Pathogenic for alpha Thalassemia. Last evaluated: 2025-09-15. Review status: criteria provided, single submitter. Criteria: ACMG Guidelines, 2015. Collection method: clinical testing. Allele origin: germline. Affected: yes.
Comment: The variant is observed at an extremely low frequency in the gnomAD v4.1.0 dataset (total allele frequency: <0.001%). Predicted Consequence/Location: Missense variant In silico tool predictions suggest damaging effect of the variant on gene or gene product [REVEL: 0.91 (>=0.6, sensitivity 0.68 and specificity 0.92)]. The same nucleotide change resulting in the same amino acid change has been previously reported as pathogenic/likely pathogenic with strong evidence (ClinVar ID: VCV000618158 /PMID: 20642333). The variant has been reported to be in trans with a pathogenic variant as either compound heterozygous or homozygous in at least one similarly affected unrelated individual (PMID: 20642333). Different missense changes at the same codon (p.Met33Ile, p.Met33Thr) have been reported as pathogenic/likely pathogenic with strong evidence (ClinVar ID: VCV000811488, VCV003579874 /PMID: 16370485). Therefore, this variant is classified as Pathogenic according to the recommendation of ACMG/AMP guideline.

Quest Diagnostics Nichols Institute San Juan Capistrano
Classification: Uncertain significance. Last evaluated: 2025-06-02. Review status: criteria provided, single submitter. Criteria: Quest Diagnostics criteria. Collection method: clinical testing. Allele origin: unknown.
Comment: The HBA2 c.98T>G (p.Met33Arg) variant has been reported in the published literature in homozygous, heterozygous and in association with alpha-thal 3.7 deletion or HbS in mild anemic individuals with mild to moderate microcytosis and hypochromia (PMID: 20642333 (2010), 26485748 (2016), HbVar). Analysis of this variant using bioinformatics tools for the prediction of the effect of amino acid changes on protein structure and function yielded predictions that this variant is damaging. Based on the available information, we are unable to determine the clinical significance of this variant.

ARUP Laboratories, Molecular Genetics and Genomics, ARUP Laboratories
Classification: Pathogenic. Last evaluated: 2025-04-12. Review status: criteria provided, single submitter. Criteria: ARUP Molecular Germline Variant Investigation Process 2024. Collection method: clinical testing. Allele origin: germline.
Comment: The Hb Rotterdam variant (HBA2: c.98T>G; p.Met33Arg, also known as Met32Arg when numbered from the mature protein, rs1468615416, HbVar ID: 2980) is reported to be a hyperunstable variant that is associated with mild microcytic hypochromic anemia in individuals who carry the variant homozygously or with the -3.7kb deletion (Giordano 2010, see HbVar link). Additionally, a different alteration at this codon (Hb Amsterdam, p.Met33Ile) is also reported to be a hyperunstable variant associated with microcytic hypochromic anemia (Harteveld 2005). The Hb Rotterdam variant is found in the general population with a low allele frequency of 0.001% (1/94004 alleles) in the Genome Aggregation Database. Computational analyses predict that this variant is deleterious (REVEL: 0.890). Although the nucleotide variant occurs near the intron-exon junction, in silico tools do not predict any significant effect on mRNA splicing. The instability of the Hb Rotterdam variant was proposed to result from molecular instability associated with the importance of Met33 in alpha-beta contact, but no experiments were reported that would demonstrate whether a stable mRNA is transcribed (Giordano 2010). Based on the above information, Hb Rotterdam is considered pathogenic. References: Link to HbVar database: Giordano PC et al. Codon 24 (TAT>TAG) and codon 32 (ATG>AGG) (Hb Rotterdam): two novel alpha2 gene mutations associated with mild alpha-thalassemia found in the same family after newborn screening. Hemoglobin. 2010;34(4):354-65. PMID: 20642333. Harteveld CL et al. Hb Amsterdam (alpha32(B13)Met--Ile (alpha2)): a new unstable variant associated with an alpha-thalassemia phenotype and a new African polymorphism. Hemoglobin. 2005;29(4):257-62. PMID: 16370485.

PreventionGenetics, part of Exact Sciences
Classification: Likely pathogenic for HBA2-related condition. Last evaluated: 2024-10-22. Review status: criteria provided, single submitter. Criteria: ACMG Guidelines, 2015. Collection method: clinical testing. Allele origin: germline.
Comment: The HBA2 c.98T>G variant is predicted to result in the amino acid substitution p.Met33Arg. This variant has been reported in the hemizygous state, in trans with the -α3.7 deletion, and in the homozygous state in individuals with α-thalassemia related phenotypes (reported as Hb Rotterdam in Giordano et al. 2010. PubMed ID: 20642333; reported as Hb Gran Via in de la Fuente-Gonzalo et al. 2016. PubMed ID: 26485748). An alternate nucleotide change affecting the same amino acid (p.Met33Ile) has also been reported in a family affected with α-thalassemia related phenotypes (reported as Hb Amsterdam in Harteveld et al. 2005. PubMed ID: 16370485). Missense variants affecting the same amino acid residue in the highly paralogous gene HBA1 have also been reported in affected individuals (p.Met33Ile or Hb Amsterdam-A1 in Brennan. 2017. PubMed ID: 28696843; p.Met33Lys or Hb Queens Park in Phylipsen et al. 2010. PubMed ID: 20353346; p.Met33Thr or Hb Bridlington in Henderson et al. 2016. PubMed ID: 26635043). The HBA2 c.98T>G (p.Met33Arg) variant is reported in 0.017% of alleles in individuals of African descent in gnomAD. Based on the available evidence, this variant is interpreted as likely pathogenic.

Women's Health and Genetics/Laboratory Corporation of America, LabCorp
Classification: Likely pathogenic for alpha Thalassemia. Last evaluated: 2023-07-20. Review status: criteria provided, single submitter. Criteria: LabCorp Variant Classification Summary - May 2015. Collection method: clinical testing. Allele origin: germline.
Comment: Variant summary: HBA2 c.98T>G (p.Met33Arg), also known as Hb Rotterdam (Giordano_2010) and Hb Gran Via (delaFuente-Gonzalo_2016), results in a non-conservative amino acid change in the encoded protein sequence. Five of five in-silico tools predict a damaging effect of the variant on protein function. In addition, this variant disrupts the third nucleotide of exon 2, and therefore can affect splicing. Computational tools predict no significant impact on normal splicing. However, these predictions have yet to be confirmed by functional studies. The variant allele was found at a frequency of 1e-05 in 98938 control chromosomes (i.e., 1 heterozygote; gnomAD v2.1 Exomes dataset). c.98T>G has been reported in the literature in mulitple individuals affected with microcytic hypochromic anemia (e.g., Giordano_2010, DelaFuente-Gonzalo_2016, Fjeld_2022). These data indicate that the variant is likely to be associated with disease. To our knowledge, no experimental evidence demonstrating an impact on protein function has been reported. The following publications have been ascertained in the context of this evaluation (PMID: 20642333, 26485748, 36567661). Two submitters have reported clinical-significance assessments for this variant to ClinVar after 2014. One submitter classified the variant as pathogenic, and one submitter classified the variant as uncertain significance. Based on the evidence outlined above, the variant was classified as likely pathogenic.

Literature cited by the submitters: PubMed 20642333 (cited by 4 submitters); PubMed 16370485 (cited by 3billion); PubMed 26485748 (cited by Quest Diagnostics Nichols Institute San Juan Capistrano and Women's Health and Genetics/Laboratory Corporation of America, LabCorp); PubMed 22384838 (cited by Quest Diagnostics Nichols Institute San Juan Capistrano); PubMed 36567661 (cited by Quest Diagnostics Nichols Institute San Juan Capistrano and Women's Health and Genetics/Laboratory Corporation of America, LabCorp).

NM_000517.6(HBA2):c.98T>G (p.Met33Arg)

Genes: HBA2 (hemoglobin subunit alpha 2; plus strand), LOC106804612 (hemoglobin subunit alpha 2 recombination region; plus strand). Cytogenetic location: 16p13.3.
Variant type: single nucleotide variant.
Coding change: c.98T>G on transcript NM_000517.6 (MANE Select); coding-DNA position 98, T replaced by G.
Protein change: p.Met33Arg; replaces methionine 33 with arginine.
Molecular consequence: missense variant.
Genome position (GRCh38, 1-based): chr16:173,127, T>G. VCF-style: chr16-173127-T-G. GRCh37 (hg19) VCF-style: chr16-223126-T-G.
Other names: c.98T>G (NM_000517.5); short protein forms M33R.
Identifiers: ClinVar variation 618158 (VCV000618158.20), dbSNP rs1468615416, ClinGen allele CA393993229.
Genomic context (GRCh38, chr16:173,127, plus strand): 5'-CCTCAACCGTCCTGGCCCCGGACCCAAACCCCACCCCTCACTCTGCTTCTCCCCGCAGGA[T>G]GTTCCTGTCCTTCCCCACCACCAAGACCTACTTCCCGCACTTCGACCTGAGCCACGGCTC-3'
Protein context (NP_000508.1, residues 23-43): GEYGAEALER[Met33Arg]FLSFPTTKTY